The following is an entry in ClinVar:

ClinVar aggregate classification (germline): Uncertain significance (1 of 4 stars; one submission).

Conditions:
GABBR2-related disorder. Also called: GABBR2-related condition; GABBR2-related disorders.

gnomAD v4.1: 2 of 1,611,006 alleles (0.00012%); highest among the groups gnomAD compares: Non-Finnish European, 0.00017%; no homozygotes.

Submission:

PreventionGenetics, part of Exact Sciences
Classification: Uncertain significance for GABBR2-related condition. Last evaluated: 2025-09-15. Review status: criteria provided, single submitter. Criteria: ACMG Guidelines, 2015. Collection method: clinical testing. Allele origin: germline.
Comment: The GABBR2 c.710G>A variant is predicted to result in the amino acid substitution p.Cys237Tyr. To our knowledge, this variant has not been reported in the literature or in a large population database (gnomAD), indicating this variant is rare. At this time, the clinical significance of this variant is uncertain due to the absence of conclusive functional and genetic evidence.

NM_005458.8(GABBR2):c.710G>A (p.Cys237Tyr)

Genes: GABBR2 (gamma-aminobutyric acid type B receptor subunit 2; minus strand), LOC126860700 (CDK7 strongly-dependent group 2 enhancer GRCh37_chr9:101257622-101258821; plus strand). Cytogenetic location: 9q22.33.
Variant type: single nucleotide variant.
Coding change: c.710G>A on transcript NM_005458.8 (MANE Select); coding-DNA position 710, G replaced by A.
Protein change: p.Cys237Tyr; replaces cysteine 237 with tyrosine.
Molecular consequence: missense variant.
Genome position (GRCh38, 1-based): chr9:98,496,435, C>T on the plus strand (G>A on the coding strand, the complement: GABBR2 is on the minus strand). VCF-style: chr9-98496435-C-T. GRCh37 (hg19) VCF-style: chr9-101258717-C-T.
Other names: short protein forms C237Y.
Identifiers: ClinVar variation 4992032 (VCV004992032.1).